The following is an entry in ClinVar:

ClinVar aggregate classification (germline): Uncertain significance (1 of 4 stars; one submission).

Conditions:
Inborn genetic diseases. Identifiers: MedGen C0950123, MeSH D030342.

Submission:

Ambry Genetics
Classification: Uncertain significance for Inborn genetic diseases. Last evaluated: 2025-11-03. Review status: criteria provided, single submitter. Criteria: Ambry Variant Classification Scheme 2023. Collection method: clinical testing. Allele origin: germline.
Comment: The c.740G>T (p.C247F) alteration is located in exon 5 (coding exon 5) of the CFI gene. This alteration results from a G to T substitution at nucleotide position 740, causing the cysteine (C) at amino acid position 247 to be replaced by a phenylalanine (F). This variant was not reported in population-based cohorts in the Genome Aggregation Database (gnomAD). Other variant(s) at the same codon, c.739T>G (p.C247G), have been identified in individual(s) with features consistent with complement factor I deficiency (Ponce-Castro, 2008). This amino acid position is highly conserved in available vertebrate species. This alteration is predicted to be deleterious by in silico analysis. Based on insufficient or conflicting evidence, the clinical significance of this alteration remains unclear.

Literature cited by the submitters: PubMed 18374984.

NM_000204.5(CFI):c.740G>T (p.Cys247Phe)

Gene: CFI (complement factor I; minus strand). Cytogenetic location: 4q25.
Variant type: single nucleotide variant.
Coding change: c.740G>T on transcript NM_000204.5 (MANE Select); coding-DNA position 740, G replaced by T.
Protein change: p.Cys247Phe; replaces cysteine 247 with phenylalanine.
Molecular consequence: missense variant. On other transcripts: non-coding transcript variant (3).
Genome position (GRCh38, 1-based): chr4:109,760,555, C>A on the plus strand (G>T on the coding strand, the complement: CFI is on the minus strand). VCF-style: chr4-109760555-C-A. GRCh37 (hg19) VCF-style: chr4-110681711-C-A.
Other names: c.740G>T, p.Cys247Phe (NM_001375278.1, NM_001375279.1, NM_001375280.1 and 10 more transcripts); c.131G>T, p.Cys44Phe (NM_001375284.1); short protein forms C247F, C44F.
Identifiers: ClinVar variation 4614265 (VCV004614265.1).